The following is an entry in ClinVar:

Single allele

Genes: ABHD18 (abhydrolase domain containing 18; plus strand), C4orf33 (chromosome 4 open reading frame 33; plus strand), CLGN (calmegin; minus strand), ELF2 (E74 like ETS transcription factor 2; minus strand), HSPA4L (heat shock protein family A (Hsp70) member 4 like; plus strand) and 21 more. Cytogenetic location: 4q28.1-31.1.
Variant type: Deletion.
Identifiers: ClinVar variation 560144 (VCV000560144.3).

ClinVar aggregate classification (germline): Pathogenic (1 of 4 stars; one submission).

Submission:

Geisinger Autism and Developmental Medicine Institute, Geisinger Health System
Classification: Pathogenic. Last evaluated: 2018-04-02. Review status: criteria provided, single submitter. Criteria: ACMG CNV Guidelines, 2011. Collection method: provider interpretation. Allele origin: unknown.
Comment: Parental testing was not completed. This region contains at least 36 genes and was also identified on a karyotype. A 16p13.11 intragenic deletion of ABCC6 was also identified through array and a FHL1 likely pathogenic variant identified through a HCM gene panel.

Literature cited by the submitters: PubMed 24959202; PubMed 26446663.